The following is an entry in ClinVar:

NM_000051.4(ATM):c.3959A>G (p.Asp1320Gly)

Gene: ATM (ATM serine/threonine kinase; plus strand). Cytogenetic location: 11q22.3.
Variant type: single nucleotide variant.
Coding change: c.3959A>G on transcript NM_000051.4 (MANE Select); coding-DNA position 3959, A replaced by G.
Protein change: p.Asp1320Gly; replaces aspartic acid 1320 with glycine.
Molecular consequence: missense variant.
Genome position (GRCh38, 1-based): chr11:108,284,439, A>G. VCF-style: chr11-108284439-A-G. GRCh37 (hg19) VCF-style: chr11-108155166-A-G.
Other names: c.3959A>G, p.Asp1320Gly (NM_001351834.2); short protein forms D1320G.
Identifiers: ClinVar variation 1963385 (VCV001963385.5), dbSNP rs2135709499, ClinGen allele CA382526057.

ClinVar aggregate classification (germline): Uncertain significance (1 of 4 stars; one submission).

Conditions:
Ataxia-telangiectasia syndrome (AT). Also called: ATAXIA-TELANGIECTASIA, COMPLEMENTATION GROUP A; ATAXIA-TELANGIECTASIA, FRESNO VARIANT; Ataxia-telangiectasia, complementation group D; AT, COMPLEMENTATION GROUP C; Ataxia-telangiectasia; LOUIS-BAR SYNDROME. Identifiers: Orphanet 100, MedGen C0004135, MONDO:0008840, OMIM 208900.

Submission:

Labcorp Genetics (formerly Invitae), Labcorp
Classification: Uncertain significance for Ataxia-telangiectasia syndrome. Last evaluated: 2022-11-08. Review status: criteria provided, single submitter. Criteria: Invitae Variant Classification Sherloc (09022015). Collection method: clinical testing. Allele origin: germline.
Comment: In summary, the available evidence is currently insufficient to determine the role of this variant in disease. Therefore, it has been classified as a Variant of Uncertain Significance. Algorithms developed to predict the effect of sequence changes on RNA splicing suggest that this variant may create or strengthen a splice site. Algorithms developed to predict the effect of missense changes on protein structure and function are either unavailable or do not agree on the potential impact of this missense change (SIFT: "Deleterious"; PolyPhen-2: "Benign"; Align-GVGD: "Class C0"). This variant has not been reported in the literature in individuals affected with ATM-related conditions. This variant is not present in population databases (gnomAD no frequency). This sequence change replaces aspartic acid, which is acidic and polar, with glycine, which is neutral and non-polar, at codon 1320 of the ATM protein (p.Asp1320Gly).